The following is an entry in ClinVar:

ClinVar aggregate classification (germline): Uncertain significance. Review status: criteria provided, multiple submitters, no conflicts (2 of 4 stars). 2 submissions from 2 submitters: Uncertain significance (2). Last evaluated 2024-06-07.

Conditions:
Brugada syndrome. Also called: Sudden unexplained nocturnal death syndrome; Sudden Unexplained Death Syndrome; Sudden Unexplained Nocturnal Death Syndrome (SUNDS); Sudden unexpected nocturnal death syndrome. Identifiers: Orphanet 130, MedGen C1142166, MONDO:0015263.
Cardiovascular phenotype. Identifiers: MedGen CN230736.

Submissions (2):

Ambry Genetics
Classification: Uncertain significance for Cardiovascular phenotype. Last evaluated: 2024-06-07. Review status: criteria provided, single submitter. Criteria: Ambry Variant Classification Scheme 2023. Collection method: clinical testing. Allele origin: germline.

Labcorp Genetics (formerly Invitae), Labcorp
Classification: Uncertain significance for Brugada syndrome. Last evaluated: 2024-05-31. Review status: criteria provided, single submitter. Criteria: Invitae Variant Classification Sherloc (09022015). Collection method: clinical testing. Allele origin: germline.
Comment: This sequence change replaces phenylalanine, which is neutral and non-polar, with leucine, which is neutral and non-polar, at codon 339 of the CACNA2D1 protein (p.Phe339Leu). This variant is not present in population databases (gnomAD no frequency). This variant has not been reported in the literature in individuals affected with CACNA2D1-related conditions. An algorithm developed to predict the effect of missense changes on protein structure and function (PolyPhen-2) suggests that this variant is likely to be tolerated. In summary, the available evidence is currently insufficient to determine the role of this variant in disease. Therefore, it has been classified as a Variant of Uncertain Significance.

NM_000722.4(CACNA2D1):c.1017T>G (p.Phe339Leu)

Gene: CACNA2D1 (calcium voltage-gated channel auxiliary subunit alpha2delta 1; minus strand). Cytogenetic location: 7q21.11.
Variant type: single nucleotide variant.
Coding change: c.1017T>G on transcript NM_000722.4 (MANE Select); coding-DNA position 1017, T replaced by G.
Protein change: p.Phe339Leu; replaces phenylalanine 339 with leucine.
Molecular consequence: missense variant.
Genome position (GRCh38, 1-based): chr7:82,038,098, A>C on the plus strand (T>G on the coding strand, the complement: CACNA2D1 is on the minus strand). VCF-style: chr7-82038098-A-C. GRCh37 (hg19) VCF-style: chr7-81667414-A-C.
Other names: c.1017T>G, p.Phe339Leu (NM_001366867.1); short protein forms F339L.
Identifiers: ClinVar variation 3262826 (VCV003262826.3).
Genomic context (GRCh38, chr7:82,038,098, plus strand): 5'-GAACAACAACAACAACAAAAGACATAGCATGATACTTACATTAAGCAGCTGTTCAAAAGC[A>C]AAACTAAAGCCCTTCTTATAATCTGTAATTCCTTTGGCTGTGATATTATTCACCGCGTCT-3'
Protein context (NP_000713.2, residues 329-349): GITDYKKGFS[Phe339Leu]AFEQLLNYNV